The following is an entry in ClinVar:

NM_000350.3(ABCA4):c.1759A>G (p.Arg587Gly)

Gene: ABCA4 (ATP binding cassette subfamily A member 4; minus strand). Cytogenetic location: 1p22.1.
Variant type: single nucleotide variant.
Coding change: c.1759A>G on transcript NM_000350.3 (MANE Select); coding-DNA position 1759, A replaced by G.
Protein change: p.Arg587Gly; replaces arginine 587 with glycine.
Molecular consequence: missense variant.
Genome position (GRCh38, 1-based): chr1:94,063,113, T>C on the plus strand (A>G on the coding strand, the complement: ABCA4 is on the minus strand). VCF-style: chr1-94063113-T-C. GRCh37 (hg19) VCF-style: chr1-94528669-T-C.
Other names: c.1759A>G, p.Arg587Gly (NM_001425324.1); short protein forms R587G.
Identifiers: ClinVar variation 866988 (VCV000866988.11), dbSNP rs1661175150, ClinGen allele CA341279870.
Genomic context (GRCh38, chr1:94,063,113, plus strand): 5'-CCAAATGTAATTTCCCACTGACTTTGGAGAAATGCAGCGAGCCCTTCCTGAAACATCACC[T>C]GTCTTTAATCTTATTGGTTTTCTCCACCACGTCTATGTCCATTCGGATCTTATACTTCAC-3'
Protein context (NP_000341.2, residues 577-597): VVEKTNKIKD[Arg587Gly]YWDSGPRADP

ClinVar aggregate classification (germline): Uncertain significance. Review status: criteria provided, multiple submitters, no conflicts (2 of 4 stars). 2 submissions from 2 submitters: Uncertain significance (2). Last evaluated 2025-10-01.

Submissions (2):

Labcorp Genetics (formerly Invitae), Labcorp
Classification: Uncertain significance. Last evaluated: 2025-10-01. Review status: criteria provided, single submitter. Criteria: Invitae Variant Classification Sherloc (09022015). Collection method: clinical testing. Allele origin: germline.
Comment: This sequence change replaces arginine, which is basic and polar, with glycine, which is neutral and non-polar, at codon 587 of the ABCA4 protein (p.Arg587Gly). This variant is not present in population databases (gnomAD no frequency). This missense change has been observed in individual(s) with ABCA4-related conditions (internal data). ClinVar contains an entry for this variant (Variation ID: 866988). An algorithm developed to predict the effect of missense changes on protein structure and function (PolyPhen-2) suggests that this variant is likely to be disruptive. Algorithms developed to predict the effect of sequence changes on RNA splicing suggest that this variant may disrupt the consensus splice site. In summary, the available evidence is currently insufficient to determine the role of this variant in disease. Therefore, it has been classified as a Variant of Uncertain Significance.

Blueprint Genetics
Classification: Uncertain significance. Last evaluated: 2018-08-26. Review status: criteria provided, single submitter. Criteria: ACMG Guidelines, 2015. Collection method: clinical testing. Allele origin: germline.